The following is an entry in ClinVar:

NM_173598.6(KSR2):c.244C>T (p.Arg82Cys)

Gene: KSR2 (kinase suppressor of ras 2; minus strand). Cytogenetic location: 12q24.23.
Variant type: single nucleotide variant.
Coding change: c.244C>T on transcript NM_173598.6 (MANE Select); coding-DNA position 244, C replaced by T.
Protein change: p.Arg82Cys; replaces arginine 82 with cysteine.
Molecular consequence: missense variant.
Genome position (GRCh38, 1-based): chr12:117,860,368, G>A on the plus strand (C>T on the coding strand, the complement: KSR2 is on the minus strand). VCF-style: chr12-117860368-G-A. GRCh37 (hg19) VCF-style: chr12-118298173-G-A.
Other names: short protein forms R82C.
Identifiers: ClinVar variation 3351535 (VCV003351535.1).
Genomic context (GRCh38, chr12:117,860,368, plus strand): 5'-GCACATCGACGATTCGGAACCAGTGCCGTAGCTGGGGGAAGCCGTCCAGCTCCGCGTTGC[G>A]CTCCTGCAAGGCTACCTTCTTTTTGCAGGACAGCTGCCGGCTGAAGTACTTCACCAGCTT-3'
Protein context (NP_775869.4, residues 72-92): SCKKKVALQE[Arg82Cys]NAELDGFPQL

ClinVar aggregate classification (germline): Uncertain significance (0 of 4 stars; one submission).

Conditions:
KSR2-related disorder. Also called: KSR2-related condition.

gnomAD v4.1: 4 of 1,613,440 alleles (0.00025%); highest among the groups gnomAD compares: East Asian, 0.0022%; no homozygotes.

Submission:

PreventionGenetics, part of Exact Sciences
Classification: Uncertain significance for KSR2-related condition. Last evaluated: 2024-06-04. Review status: no assertion criteria provided. Collection method: clinical testing. Allele origin: germline.
Comment: The KSR2 c.157C>T variant is predicted to result in the amino acid substitution p.Arg53Cys. To our knowledge, this variant has not been reported in the literature. This variant is reported in 0.00089% of alleles in individuals of European (Non-Finnish) descent in gnomAD. At this time, the clinical significance of this variant is uncertain due to the absence of conclusive functional and genetic evidence.